The following is an entry in ClinVar:

NM_000501.4(ELN):c.440C>G (p.Pro147Arg)

Gene: ELN (elastin; plus strand). Cytogenetic location: 7q11.23.
Variant type: single nucleotide variant.
Coding change: c.440C>G on transcript NM_000501.4 (MANE Select); coding-DNA position 440, C replaced by G.
Protein change: p.Pro147Arg; replaces proline 147 with arginine.
Molecular consequence: missense variant.
Genome position (GRCh38, 1-based): chr7:74,043,891, C>G. VCF-style: chr7-74043891-C-G. GRCh37 (hg19) VCF-style: chr7-73458221-C-G.
Other names: c.410C>G, p.Pro137Arg (NM_001081752.3, NM_001278917.2, NM_001278918.2); c.455C>G, p.Pro152Arg (NM_001081753.3, NM_001081754.3); c.440C>G, p.Pro147Arg (NM_001081755.3, NM_001278912.2, NM_001278915.2 and 2 more transcripts); c.404C>G, p.Pro135Arg (NM_001278913.2); c.425C>G, p.Pro142Arg (NM_001278914.2); short protein forms P135R, P137R, P142R, P147R, P152R.
Identifiers: ClinVar variation 2572831 (VCV002572831.1), dbSNP rs2485182252, ClinGen allele CA367869613.

ClinVar aggregate classification (germline): Uncertain significance (1 of 4 stars; one submission).

Submission:

GeneDx
Classification: Uncertain significance. Last evaluated: 2023-01-12. Review status: criteria provided, single submitter. Criteria: GeneDx Variant Classification Process June 2021. Collection method: clinical testing. Allele origin: germline. Affected: yes.
Comment: Not observed at significant frequency in large population cohorts (gnomAD); In silico analysis supports that this missense variant has a deleterious effect on protein structure/function; Has not been previously published as pathogenic or benign to our knowledge